The following is an entry in ClinVar:

ClinVar aggregate classification (germline): Uncertain significance (1 of 4 stars; one submission).

Conditions:
Sulfite oxidase deficiency. Also called: Isolated sulfite oxidase deficiency. Identifiers: Orphanet 833, Orphanet 99731, MedGen C0268624, MONDO:0010089, OMIM 272300, HP:0003643.

Allele frequency attached by ClinVar (database versions not stated): TOPMed 0.00002; gnomAD 0.00003.
gnomAD v4.1: 7 of 1,614,038 alleles (0.00043%); highest among the groups gnomAD compares: African/African-American, 0.0093%; no homozygotes.

Submission:

Labcorp Genetics (formerly Invitae), Labcorp
Classification: Uncertain significance for Sulfite oxidase deficiency. Last evaluated: 2022-07-17. Review status: criteria provided, single submitter. Criteria: Invitae Variant Classification Sherloc (09022015). Collection method: clinical testing. Allele origin: germline.
Comment: This sequence change replaces aspartic acid, which is acidic and polar, with asparagine, which is neutral and polar, at codon 465 of the SUOX protein (p.Asp465Asn). This variant is present in population databases (no rsID available, gnomAD 0.008%). This variant has not been reported in the literature in individuals affected with SUOX-related conditions. Algorithms developed to predict the effect of missense changes on protein structure and function are either unavailable or do not agree on the potential impact of this missense change (SIFT: "Deleterious"; PolyPhen-2: "Probably Damaging"; Align-GVGD: "Class C0"). In summary, the available evidence is currently insufficient to determine the role of this variant in disease. Therefore, it has been classified as a Variant of Uncertain Significance.

NM_001032386.2(SUOX):c.1393G>A (p.Asp465Asn)

Gene: SUOX (sulfite oxidase; plus strand). Cytogenetic location: 12q13.2.
Variant type: single nucleotide variant.
Coding change: c.1393G>A on transcript NM_001032386.2 (MANE Select); coding-DNA position 1393, G replaced by A.
Protein change: p.Asp465Asn; replaces aspartic acid 465 with asparagine.
Molecular consequence: missense variant.
Genome position (GRCh38, 1-based): chr12:56,004,782, G>A. VCF-style: chr12-56004782-G-A. GRCh37 (hg19) VCF-style: chr12-56398566-G-A.
Other names: c.1393G>A, p.Asp465Asn (NM_000456.3, NM_001032387.2); short protein forms D465N.
Identifiers: ClinVar variation 2156665 (VCV002156665.1), dbSNP rs1159971017, ClinGen allele CA385294357.
Genomic context (GRCh38, chr12:56,004,782, plus strand): 5'-ATCAAGGGCTATGCATGGAGTGGTGGTGGCAGGGCTGTGATCCGGGTGGATGTGTCTCTG[G>A]ATGGGGGCCTAACCTGGCAGGTGGCTAAGCTGGATGGAGAGGAACAGCGCCCCAGGAAGG-3'
Protein context (NP_001027558.1, residues 455-475): RAVIRVDVSL[Asp465Asn]GGLTWQVAKL